The following is an entry in ClinVar:

NM_004260.4(RECQL4):c.3402T>G (p.Asp1134Glu)

Gene: RECQL4 (RecQ like helicase 4; minus strand). Cytogenetic location: 8q24.3.
Variant type: single nucleotide variant.
Coding change: c.3402T>G on transcript NM_004260.4 (MANE Select); coding-DNA position 3402, T replaced by G.
Protein change: p.Asp1134Glu; replaces aspartic acid 1134 with glutamic acid.
Molecular consequence: missense variant.
Genome position (GRCh38, 1-based): chr8:144,511,781, A>C on the plus strand (T>G on the coding strand, the complement: RECQL4 is on the minus strand). VCF-style: chr8-144511781-A-C. GRCh37 (hg19) VCF-style: chr8-145737164-A-C.
Other names: c.3108T>G, p.Asp1036Glu (NM_001413017.1); c.3204T>G, p.Asp1068Glu (NM_001413018.1); c.3477T>G, p.Asp1159Glu (NM_001413019.1); c.3306T>G, p.Asp1102Glu (NM_001413020.1); c.2331T>G, p.Asp777Glu (NM_001413021.1, NM_001413022.1, NM_001413024.1 and 4 more transcripts); c.2406T>G, p.Asp802Glu (NM_001413023.1); c.3273T>G, p.Asp1091Glu (NM_001413025.1); c.2265T>G, p.Asp755Glu (NM_001413027.1, NM_001413030.1, NM_001413032.1); and 9 more; short protein forms D1068E, D1091E, D1124E, D1134E, D1137E, D755E, D777E, D1017E.
Identifiers: ClinVar variation 2141880 (VCV002141880.3), dbSNP rs371037028, ClinGen allele CA372667593.
Genomic context (GRCh38, chr8:144,511,781, plus strand): 5'-CTTCTCCTCTGGCCTCAGGGACAGGAACTGGCGGATGTCGCAGCGGACCTGGTCCTCCCA[A>C]TCCTGGAGCTGTGTGGACAGGCACATCAGGCTTCCTCTGAGCTCCCGTGGCACTGCATCC-3'
Protein context (NP_004251.4, residues 1124-1144): GPEPGQARLQ[Asp1134Glu]WEDQVRCDIR

ClinVar aggregate classification (germline): Uncertain significance (1 of 4 stars; one submission).

Conditions:
Baller-Gerold syndrome (BGS). Also called: CRANIOSYNOSTOSIS WITH RADIAL DEFECTS. Identifiers: Orphanet 1225, MedGen C0265308, MONDO:0009039, OMIM 218600.

gnomAD v4.1: 2 of 1,612,320 alleles (0.00012%); highest among the groups gnomAD compares: Non-Finnish European, 0.00017%; no homozygotes.

Submission:

Labcorp Genetics (formerly Invitae), Labcorp
Classification: Uncertain significance for Baller-Gerold syndrome. Last evaluated: 2022-07-12. Review status: criteria provided, single submitter. Criteria: Invitae Variant Classification Sherloc (09022015). Collection method: clinical testing. Allele origin: germline.
Comment: This variant has not been reported in the literature in individuals affected with RECQL4-related conditions. This sequence change replaces aspartic acid, which is acidic and polar, with glutamic acid, which is acidic and polar, at codon 1134 of the RECQL4 protein (p.Asp1134Glu). This variant is not present in population databases (gnomAD no frequency). Experimental studies and prediction algorithms are not available or were not evaluated, and the functional significance of this variant is currently unknown. In summary, the available evidence is currently insufficient to determine the role of this variant in disease. Therefore, it has been classified as a Variant of Uncertain Significance.